The following is an entry in ClinVar:

ClinVar aggregate classification (germline): Uncertain significance. Review status: criteria provided, multiple submitters, no conflicts (2 of 4 stars). 2 submissions from 2 submitters: Uncertain significance (2). Last evaluated 2025-10-29.

Conditions:
Inborn genetic diseases. Identifiers: MedGen C0950123, MeSH D030342.

gnomAD v4.1: 5 of 1,595,354 alleles (0.00031%); highest among the groups gnomAD compares: African/African-American, 0.004%; no homozygotes.

Submissions (2):

Ambry Genetics
Classification: Uncertain significance for Inborn genetic diseases. Last evaluated: 2025-10-29. Review status: criteria provided, single submitter. Criteria: Ambry Variant Classification Scheme 2023. Collection method: clinical testing. Allele origin: germline.
Comment: The c.17488G>A (p.V5830I) alteration is located in exon 128 (coding exon 126) of the NEB gene. This alteration results from a G to A substitution at nucleotide position 17488, causing the valine (V) at amino acid position 5830 to be replaced by an isoleucine (I). Based on data from gnomAD, the A allele has an overall frequency of 0.001% (2/279918) total alleles studied. The highest observed frequency was 0.008% (2/24176) of African alleles. Based on insufficient or conflicting evidence, the clinical significance of this alteration remains unclear.

GeneDx
Classification: Uncertain significance. Last evaluated: 2025-03-20. Review status: criteria provided, single submitter. Criteria: GeneDx Variant Classification Process June 2021. Collection method: clinical testing. Allele origin: germline. Affected: yes.
Comment: Not observed at significant frequency in large population cohorts (gnomAD); In silico analysis indicates that this missense variant does not alter protein structure/function; Has not been previously published as pathogenic or benign to our knowledge

NM_001164508.2(NEB):c.22591G>A (p.Val7531Ile)

Genes: NEB (nebulin; minus strand), RIF1 (replication timing regulatory factor 1; plus strand). Cytogenetic location: 2q23.3.
Variant type: single nucleotide variant.
Coding change: c.22591G>A on transcript NM_001164508.2 (MANE Select); coding-DNA position 22591, G replaced by A.
Protein change: p.Val7531Ile; replaces valine 7531 with isoleucine.
Molecular consequence: missense variant.
Genome position (GRCh38, 1-based): chr2:151,519,069, C>T on the plus strand (G>A on the coding strand, the complement: NEB is on the minus strand). VCF-style: chr2-151519069-C-T. GRCh37 (hg19) VCF-style: chr2-152375583-C-T.
Other names: c.17488G>A (NM_004543.4); c.22591G>A, p.Val7531Ile (NM_001164507.2); c.22696G>A, p.Val7566Ile (NM_001271208.2); c.17488G>A, p.Val5830Ile (NM_004543.5); short protein forms V5830I, V7531I, V7566I.
Identifiers: ClinVar variation 4086759 (VCV004086759.2).